The following is an entry in ClinVar:

NM_000455.5(STK11):c.650del (p.Pro217fs)

Gene: STK11 (serine/threonine kinase 11; plus strand). Cytogenetic location: 19p13.3.
Variant type: Deletion.
Coding change: c.650del on transcript NM_000455.5 (MANE Select); coding-DNA position 650, one base deleted (C; older notation c.650delC).
Protein change: p.Pro217fs; shifts the reading frame from proline 217.
Molecular consequence: frameshift variant.
Genome position (GRCh38, 1-based): chr19:1,220,633, C deleted; the last of 4 consecutive C bases (chr19:1,220,630-1,220,633); deleting any one gives the same sequence. VCF-style (leftmost placement, unchanged base first): chr19-1220629-TC-T. GRCh37 (hg19) VCF-style: chr19-1220628-TC-T.
Other names: short protein forms P217fs.
Identifiers: ClinVar variation 7453 (VCV000007453.10), dbSNP rs397518442, ClinGen allele CA023202.
Genomic context (GRCh38, chr19:1,220,629, plus strand): 5'-GCACCGCCACAGGCACTGCACCCGTTCGCGGCGGACGACACCTGCCGGACCAGCCAGGGC[TC>T]CCCGGCTTTCCAGCCGCCCGAGATTGCCAACGGCCTGGACACCTTCTCCGGCTTCAAGGT-3'

ClinVar aggregate classification (germline): Pathogenic. Review status: criteria provided, multiple submitters, no conflicts (2 of 4 stars). 3 submissions from 3 submitters: Pathogenic (2). 1 of the submissions does not count toward it. Last evaluated 2026-05-13.

Conditions:
Peutz-Jeghers syndrome (PJS). Also called: Peutz-Jeghers polyposis; Periorificial lentiginosis syndrome; POLYPOSIS, HAMARTOMATOUS INTESTINAL; POLYPS-AND-SPOTS SYNDROME. Identifiers: Orphanet 2869, MedGen C0031269, MeSH D010580, MONDO:0008280, OMIM 175200.
Carcinoma of pancreas. Also called: Exocrine pancreatic carcinoma; Pancreatic cancer, somatic; Pancreatic carcinoma, somatic; PANCREATIC ACINAR CARCINOMA; PANCREATIC CARCINOMA. Identifiers: Orphanet 1333, Orphanet 217074, MedGen C0235974, MONDO:0005192. Disease mechanism: loss of function.

Submissions (3):

Myriad Genetics, Inc.
Classification: Pathogenic for Peutz-Jeghers syndrome. Last evaluated: 2026-05-13. Review status: criteria provided, single submitter. Criteria: Myriad Autosomal Dominant, Autosomal Recessive and X-Linked Classification Criteria (2023). Collection method: clinical testing. Allele origin: unknown.
Comment: This variant is considered pathogenic. This variant creates a frameshift predicted to result in premature protein truncation.

Labcorp Genetics (formerly Invitae), Labcorp
Classification: Pathogenic for Peutz-Jeghers syndrome. Last evaluated: 2025-10-23. Review status: criteria provided, single submitter. Criteria: Invitae Variant Classification Sherloc (09022015). Collection method: clinical testing. Allele origin: germline.
Comment: This sequence change creates a premature translational stop signal (p.Pro217Argfs*70) in the STK11 gene. It is expected to result in an absent or disrupted protein product. Loss-of-function variants in STK11 are known to be pathogenic (PMID: 15188174, 16287113). This variant is not present in population databases (gnomAD no frequency). This variant has not been reported in the literature in individuals affected with STK11-related conditions. ClinVar contains an entry for this variant (Variation ID: 7453). For these reasons, this variant has been classified as Pathogenic.

OMIM
Classification: Pathogenic for PANCREATIC CANCER, SOMATIC. Last evaluated: 1999-06-01. Review status: no assertion criteria provided. Collection method: literature only. Allele origin: somatic. Not counted in ClinVar's aggregate classification.

Literature cited by the submitters: PubMed 15188174 (cited by Labcorp Genetics (formerly Invitae), Labcorp); PubMed 16287113 (cited by Labcorp Genetics (formerly Invitae), Labcorp); PubMed 10362809 (cited by OMIM).